The following is an entry in ClinVar:

NM_006031.6(PCNT):c.5451G>A (p.Leu1817=)

Gene: PCNT (pericentrin; plus strand). Cytogenetic location: 21q22.3.
Variant type: single nucleotide variant.
Coding change: c.5451G>A on transcript NM_006031.6 (MANE Select); coding-DNA position 5451, G replaced by A.
Protein change: p.Leu1817=; no amino-acid change (leucine 1817 retained).
Molecular consequence: synonymous variant.
Genome position (GRCh38, 1-based): chr21:46,411,524, G>A. VCF-style: chr21-46411524-G-A. GRCh37 (hg19) VCF-style: chr21-47831438-G-A.
Other names: c.5451G>A (NM_006031.5); c.5097G>A, p.Leu1699= (NM_001315529.2).
Identifiers: ClinVar variation 2964777 (VCV002964777.4), dbSNP rs1429618811, ClinGen allele CA513174680.

ClinVar aggregate classification (germline): Likely benign. Review status: criteria provided, multiple submitters, no conflicts (2 of 4 stars). 2 submissions from 2 submitters: Likely benign (2). Last evaluated 2025-03-27.

Conditions:
PCNT-related disorder. Also called: PCNT-related condition.

Allele frequency attached by ClinVar (database versions not stated): gnomAD exomes below 0.00001; TOPMed below 0.00001.
gnomAD v4.1: 5 of 1,610,198 alleles (0.00031%); highest among the groups gnomAD compares: Admixed American, 0.0034%; no homozygotes.

Submissions (2):

Labcorp Genetics (formerly Invitae), Labcorp
Classification: Likely benign. Last evaluated: 2025-03-27. Review status: criteria provided, single submitter. Criteria: Invitae Variant Classification Sherloc (09022015). Collection method: clinical testing. Allele origin: germline.

PreventionGenetics, part of Exact Sciences
Classification: Likely benign for PCNT-related condition. Last evaluated: 2024-10-14. Review status: criteria provided, single submitter. Criteria: ACMG Guidelines, 2015. Collection method: clinical testing. Allele origin: germline.
Comment: This variant is classified as likely benign based on ACMG/AMP sequence variant interpretation guidelines (Richards et al. 2015 PMID: 25741868, with internal and published modifications).